The following is an entry in ClinVar:

ClinVar aggregate classification (germline): Uncertain significance (1 of 4 stars; one submission).

Conditions:
Inborn genetic diseases. Identifiers: MedGen C0950123, MeSH D030342.

Submission:

Ambry Genetics
Classification: Uncertain significance for Inborn genetic diseases. Last evaluated: 2025-09-21. Review status: criteria provided, single submitter. Criteria: Ambry Variant Classification Scheme 2023. Collection method: clinical testing. Allele origin: germline.
Comment: The p.R25H variant (also known as c.74G>A), located in coding exon 1 of the MBD4 gene, results from a G to A substitution at nucleotide position 74. The arginine at codon 25 is replaced by histidine, an amino acid with highly similar properties. This amino acid position is conserved. In addition, this alteration is predicted to be tolerated by in silico analysis. Based on the available evidence, the clinical significance of this variant remains unclear.

NM_001276270.2(MBD4):c.74G>A (p.Arg25His)

Gene: MBD4 (methyl-CpG binding domain 4, DNA glycosylase; minus strand). Cytogenetic location: 3q21.3.
Variant type: single nucleotide variant.
Coding change: c.74G>A on transcript NM_001276270.2 (MANE Select); coding-DNA position 74, G replaced by A.
Protein change: p.Arg25His; replaces arginine 25 with histidine.
Molecular consequence: missense variant.
Genome position (GRCh38, 1-based): chr3:129,439,760, C>T on the plus strand (G>A on the coding strand, the complement: MBD4 is on the minus strand). VCF-style: chr3-129439760-C-T. GRCh37 (hg19) VCF-style: chr3-129158603-C-T.
Other names: c.74G>A, p.Arg25His (NM_001276271.2, NM_001276272.2, NM_001276273.2 and 1 more transcripts); short protein forms R25H.
Identifiers: ClinVar variation 4624380 (VCV004624380.1).